The following is an entry in ClinVar:

ClinVar aggregate classification (germline): Uncertain significance (1 of 4 stars; one submission).

Submission:

CeGaT Center for Human Genetics Tuebingen
Classification: Uncertain significance. Last evaluated: 2024-03-01. Review status: criteria provided, single submitter. Criteria: CeGaT Center For Human Genetics Tuebingen Variant Classification Criteria Version 2. Collection method: clinical testing. Allele origin: germline. Affected: yes. Observed: 1 variant allele.
Comment: TRIO: PM2, BP4

NM_007118.4(TRIO):c.9236T>C (p.Val3079Ala)

Gene: TRIO (trio Rho guanine nucleotide exchange factor; plus strand). Cytogenetic location: 5p15.2.
Variant type: single nucleotide variant.
Coding change: c.9236T>C on transcript NM_007118.4 (MANE Select); coding-DNA position 9236, T replaced by C.
Protein change: p.Val3079Ala; replaces valine 3079 with alanine.
Molecular consequence: missense variant. On other transcripts: non-coding transcript variant (1).
Genome position (GRCh38, 1-based): chr5:14,508,364, T>C. VCF-style: chr5-14508364-T-C. GRCh37 (hg19) VCF-style: chr5-14508473-T-C.
Other names: short protein forms V3079A.
Identifiers: ClinVar variation 3067757 (VCV003067757.21), dbSNP rs1579869515, ClinGen allele CA359241679.